The following is an entry in ClinVar:

NC_012920.1(MT-CO2):m.7664G>A

Gene: MT-CO2 (mitochondrially encoded cytochrome c oxidase II; plus strand).
Variant type: single nucleotide variant.
Genome position: chrM-7664-G-A.
Identifiers: ClinVar variation 692756 (VCV000692756.1), dbSNP rs879139393, ClinGen allele CA337097672.
Genomic context (GRCh38, chrMT:7,664, plus strand): 5'-GTAGGTCTACAAGACGCTACTTCCCCTATCATAGAAGAGCTTATCACCTTTCATGATCAC[G>A]CCCTCATAATCATTTTCCTTATCTGCTTCCTAGTCCTGTATGCCCTTTTCCTAACACTCA-3'

ClinVar aggregate classification (germline): Benign (1 of 4 stars; one submission).

Conditions:
Leigh syndrome (NULS). Also called: Leigh's necrotizing encephalopathy; Leigh's disease; Leigh Syndrome (mtDNA deletion); Leigh Disease; Subacute necrotizing encephalopathy; Necrotizing encephalopathy infantile subacute of Leigh. Identifiers: Orphanet 506, MedGen C2931891, MONDO:0009723, OMIM 256000.

Submission:

Wong Mito Lab, Molecular and Human Genetics, Baylor College of Medicine
Classification: Benign for Leigh syndrome. Last evaluated: 2019-10-17. Review status: criteria provided, single submitter. Criteria: Modified ACMG Guidelines (Unpublished). Collection method: clinical testing. Allele origin: germline.
Comment: The NC_012920.1:m.7664G>A (YP_003024029.1:p.Ala27Thr) variant in MTCO2 gene is interpretated to be a Benign variant based on the modified ACMG guidelines (unpublished). This variant meets the following evidence codes: BS1, BS4, BP4